The following is an entry in ClinVar:

ClinVar aggregate classification (germline): Uncertain significance (1 of 4 stars; one submission).

Submission:

Labcorp Genetics (formerly Invitae), Labcorp
Classification: Uncertain significance. Last evaluated: 2022-04-21. Review status: criteria provided, single submitter. Criteria: Invitae Variant Classification Sherloc (09022015). Collection method: clinical testing. Allele origin: germline.
Comment: This sequence change replaces alanine, which is neutral and non-polar, with threonine, which is neutral and polar, at codon 1302 of the MCM3AP protein (p.Ala1302Thr). This variant is not present in population databases (gnomAD no frequency). This variant has not been reported in the literature in individuals affected with MCM3AP-related conditions. Algorithms developed to predict the effect of missense changes on protein structure and function are either unavailable or do not agree on the potential impact of this missense change (SIFT: "Deleterious"; PolyPhen-2: "Probably Damaging"; Align-GVGD: "Class C0"). In summary, the available evidence is currently insufficient to determine the role of this variant in disease. Therefore, it has been classified as a Variant of Uncertain Significance.

NM_003906.5(MCM3AP):c.3904G>A (p.Ala1302Thr)

Gene: MCM3AP (minichromosome maintenance complex component 3 associated protein; minus strand). Cytogenetic location: 21q22.3.
Variant type: single nucleotide variant.
Coding change: c.3904G>A on transcript NM_003906.5 (MANE Select); coding-DNA position 3904, G replaced by A.
Protein change: p.Ala1302Thr; replaces alanine 1302 with threonine.
Molecular consequence: missense variant.
Genome position (GRCh38, 1-based): chr21:46,256,817, C>T on the plus strand (G>A on the coding strand, the complement: MCM3AP is on the minus strand). VCF-style: chr21-46256817-C-T. GRCh37 (hg19) VCF-style: chr21-47676731-C-T.
Other names: short protein forms A1302T.
Identifiers: ClinVar variation 1974932 (VCV001974932.5), dbSNP rs2517361262, ClinGen allele CA410550635.